The following is an entry in ClinVar:

NM_001346810.2(DLGAP2):c.1974C>T (p.Arg658=)

Gene: DLGAP2 (DLG associated protein 2; plus strand). Cytogenetic location: 8p23.3.
Variant type: single nucleotide variant.
Coding change: c.1974C>T on transcript NM_001346810.2 (MANE Select); coding-DNA position 1974, C replaced by T.
Protein change: p.Arg658=; no amino-acid change (arginine 658 retained).
Molecular consequence: synonymous variant.
Genome position (GRCh38, 1-based): chr8:1,668,492, C>T. VCF-style: chr8-1668492-C-T. GRCh37 (hg19) VCF-style: chr8-1616658-C-T.
Identifiers: ClinVar variation 3033446 (VCV003033446.2), dbSNP rs199785303, ClinGen allele CA4598683.

ClinVar aggregate classification (germline): Benign (0 of 4 stars; one submission).

Conditions:
DLGAP2-related disorder. Also called: DLGAP2-related condition.

Allele frequency attached by ClinVar (database versions not stated): gnomAD exomes 0.00039; ExAC 0.00098; ESP Exome Variant Server 0.00263; gnomAD 0.00313; 1000 Genomes Project 30x 0.00344; 1000 Genomes Project 0.00359; TOPMed 0.00398.
gnomAD v4.1: 1,059 of 1,593,500 alleles (0.066%); highest among the groups gnomAD compares: African/African-American, 1.1%; 6 homozygotes.

Submission:

PreventionGenetics, part of Exact Sciences
Classification: Benign for DLGAP2-related condition. Last evaluated: 2019-06-13. Review status: no assertion criteria provided. Collection method: clinical testing. Allele origin: germline.
Comment: This variant is classified as benign based on ACMG/AMP sequence variant interpretation guidelines (Richards et al. 2015 PMID: 25741868, with internal and published modifications).